The following is an entry in ClinVar:

NM_000027.4(AGA):c.1000G>A (p.Glu334Lys)

Gene: AGA (aspartylglucosaminidase; minus strand). Cytogenetic location: 4q34.3.
Variant type: single nucleotide variant.
Coding change: c.1000G>A on transcript NM_000027.4 (MANE Select); coding-DNA position 1000, G replaced by A.
Protein change: p.Glu334Lys; replaces glutamic acid 334 with lysine.
Molecular consequence: missense variant. On other transcripts: non-coding transcript variant (1).
Genome position (GRCh38, 1-based): chr4:177,431,749, C>T on the plus strand (G>A on the coding strand, the complement: AGA is on the minus strand). VCF-style: chr4-177431749-C-T. GRCh37 (hg19) VCF-style: chr4-178352903-C-T.
Other names: c.970G>A, p.Glu324Lys (NM_001171988.2); short protein forms E324K, E334K.
Identifiers: ClinVar variation 2160133 (VCV002160133.2), dbSNP rs763615962, ClinGen allele CA3146722.

ClinVar aggregate classification (germline): Uncertain significance (1 of 4 stars; one submission).

Conditions:
Aspartylglucosaminuria (AGU). Also called: AGA DEFICIENCY; GLYCOASPARAGINASE; GLYCOSYLASPARAGINASE DEFICIENCY; Aspartylglucos-aminuria; Aspartylglucos-amidase (AGA) deficiency. Identifiers: Orphanet 93, MedGen C0268225, MONDO:0008830, OMIM 208400, HP:0012068.

Allele frequency attached by ClinVar (database versions not stated): gnomAD 0.00002; TOPMed 0.00002; gnomAD exomes 0.00004; ExAC 0.00005.
gnomAD v4.1: 55 of 1,613,566 alleles (0.0034%); highest among the groups gnomAD compares: East Asian, 0.0089%; no homozygotes.

Submission:

Labcorp Genetics (formerly Invitae), Labcorp
Classification: Uncertain significance for Aspartylglucosaminuria. Last evaluated: 2024-10-28. Review status: criteria provided, single submitter. Criteria: Invitae Variant Classification Sherloc (09022015). Collection method: clinical testing. Allele origin: germline.
Comment: This sequence change replaces glutamic acid, which is acidic and polar, with lysine, which is basic and polar, at codon 334 of the AGA protein (p.Glu334Lys). This variant is present in population databases (rs763615962, gnomAD 0.005%). This variant has not been reported in the literature in individuals affected with AGA-related conditions. Invitae Evidence Modeling of protein sequence and biophysical properties (such as structural, functional, and spatial information, amino acid conservation, physicochemical variation, residue mobility, and thermodynamic stability) indicates that this missense variant is not expected to disrupt AGA protein function with a negative predictive value of 95%. In summary, the available evidence is currently insufficient to determine the role of this variant in disease. Therefore, it has been classified as a Variant of Uncertain Significance.